The following is an entry in ClinVar:

NM_001267550.2(TTN):c.67637-1G>A

Genes: TTN (titin; minus strand), TTN-AS1 (TTN antisense RNA 1; plus strand), LOC126806423 (CDK7 strongly-dependent group 2 enhancer GRCh37_chr2:179443309-179444508; plus strand). Cytogenetic location: 2q31.2.
Variant type: single nucleotide variant.
Coding change: c.67637-1G>A on transcript NM_001267550.2 (MANE Select); the canonical splice acceptor site of the intron before coding-DNA position 67637, G replaced by A.
Molecular consequence: splice acceptor variant.
Genome position (GRCh38, 1-based): chr2:178,579,394, C>T on the plus strand (G>A on the coding strand, the complement: TTN is on the minus strand). VCF-style: chr2-178579394-C-T. GRCh37 (hg19) VCF-style: chr2-179444121-C-T.
Other names: c.40442-1G>A (NM_003319.4); c.41018-1G>A (NM_133437.4); c.40817-1G>A (NM_133432.3); c.59933-1G>A (NM_133378.4); c.62714-1G>A (NM_001256850.1).
Identifiers: ClinVar variation 3812225 (VCV003812225.1).

ClinVar aggregate classification (germline): Uncertain significance (1 of 4 stars; one submission).

Conditions:
Cardiovascular phenotype. Identifiers: MedGen CN230736.

Submission:

Ambry Genetics
Classification: Uncertain significance for Cardiovascular phenotype. Last evaluated: 2025-01-13. Review status: criteria provided, single submitter. Criteria: Ambry Variant Classification Scheme 2023. Collection method: clinical testing. Allele origin: germline.
Comment: The c.40442-1G>A intronic variant results from a G to A substitution one nucleotide upstream from coding exon 147 of the TTN gene. Exon 147 is located in the A-band region of the N2-B isoform of the titin protein and is constitutively expressed in TTN transcripts (percent spliced in or PSI 100%). This alteration disrupts the canonical splice site and is expected to cause aberrant splicing. However, although direct evidence is unavailable, this alteration is predicted to result in an in-frame transcript that is not expected to trigger nonsense-mediated mRNA decay. The exact functional effect of the predicted splice impact is unknown. Based on the available evidence, the clinical significance of this variant remains unclear.